The following is an entry in ClinVar:

NM_014967.5(FAN1):c.2827G>A (p.Val943Met)

Genes: FAN1 (FANCD2 and FANCI associated nuclease 1; plus strand), MTMR10 (myotubularin related protein 10; minus strand). Cytogenetic location: 15q13.3.
Variant type: single nucleotide variant.
Coding change: c.2827G>A on transcript NM_014967.5 (MANE Select); coding-DNA position 2827, G replaced by A.
Protein change: p.Val943Met; replaces valine 943 with methionine.
Molecular consequence: missense variant.
Genome position (GRCh38, 1-based): chr15:30,930,582, G>A. VCF-style: chr15-30930582-G-A. GRCh37 (hg19) VCF-style: chr15-31222785-G-A.
Other names: short protein forms V943M.
Identifiers: ClinVar variation 2261412 (VCV002261412.5), dbSNP rs201033188, ClinGen allele CA7450791.

ClinVar aggregate classification (germline): Uncertain significance. Review status: criteria provided, multiple submitters, no conflicts (2 of 4 stars). 2 submissions from 2 submitters: Uncertain significance (2). Last evaluated 2025-06-12.

Conditions:
Inborn genetic diseases. Identifiers: MedGen C0950123, MeSH D030342.

Allele frequency attached by ClinVar (database versions not stated): gnomAD exomes 0.00002; gnomAD 0.00001; ExAC 0.00007; TOPMed 0.00003.
gnomAD v4.1: 35 of 1,612,076 alleles (0.0022%); highest among the groups gnomAD compares: South Asian, 0.033%; 1 homozygote.

Submissions (2):

Labcorp Genetics (formerly Invitae), Labcorp
Classification: Uncertain significance. Last evaluated: 2025-06-12. Review status: criteria provided, single submitter. Criteria: Invitae Variant Classification Sherloc (09022015). Collection method: clinical testing. Allele origin: germline.
Comment: This sequence change replaces valine, which is neutral and non-polar, with methionine, which is neutral and non-polar, at codon 943 of the FAN1 protein (p.Val943Met). This variant is present in population databases (rs201033188, gnomAD 0.03%). This variant has not been reported in the literature in individuals affected with FAN1-related conditions. ClinVar contains an entry for this variant (Variation ID: 2261412). An algorithm developed to predict the effect of missense changes on protein structure and function (PolyPhen-2) suggests that this variant is likely to be disruptive. In summary, the available evidence is currently insufficient to determine the role of this variant in disease. Therefore, it has been classified as a Variant of Uncertain Significance.

Ambry Genetics
Classification: Uncertain significance for Inborn genetic diseases. Last evaluated: 2024-05-29. Review status: criteria provided, single submitter. Criteria: Ambry Variant Classification Scheme 2023. Collection method: clinical testing. Allele origin: germline.